The following is an entry in ClinVar:

NM_001206927.2(DNAH8):c.11887A>G (p.Thr3963Ala)

Genes: DNAH8 (dynein axonemal heavy chain 8; plus strand), DNAH8-AS1 (DNAH8 antisense RNA 1; minus strand). Cytogenetic location: 6p21.2.
Variant type: single nucleotide variant.
Coding change: c.11887A>G on transcript NM_001206927.2 (MANE Select); coding-DNA position 11887, A replaced by G.
Protein change: p.Thr3963Ala; replaces threonine 3963 with alanine.
Molecular consequence: missense variant.
Genome position (GRCh38, 1-based): chr6:38,938,868, A>G. VCF-style: chr6-38938868-A-G. GRCh37 (hg19) VCF-style: chr6-38906644-A-G.
Other names: c.11236A>G, p.Thr3746Ala (NM_001371.4); short protein forms T3963A, T3746A.
Identifiers: ClinVar variation 4661145 (VCV004661145.1).

ClinVar aggregate classification (germline): Uncertain significance (1 of 4 stars; one submission).

gnomAD v4.1: 16 of 1,613,462 alleles (0.00099%); highest among the groups gnomAD compares: East Asian, 0.031%; no homozygotes.

Submission:

Ambry Genetics
Classification: Uncertain significance. Last evaluated: 2025-11-20. Review status: criteria provided, single submitter. Criteria: Ambry Variant Classification Scheme 2023. Collection method: clinical testing. Allele origin: germline.
Comment: The c.11887A>G (p.T3963A) alteration is located in exon 79 (coding exon 78) of the DNAH8 gene. This alteration results from a A to G substitution at nucleotide position 11887, causing the threonine (T) at amino acid position 3963 to be replaced by an alanine (A). Based on data from gnomAD, the G allele has an overall frequency of 0.001% (3/251096) total alleles studied. The highest observed frequency was 0.016% (3/18374) of East Asian alleles. Based on insufficient or conflicting evidence, the clinical significance of this alteration remains unclear.